The following is an entry in ClinVar:

NM_001710.6(CFB):c.2177A>G (p.Lys726Arg)

Gene: CFB (complement factor B; plus strand). Cytogenetic location: 6p21.33.
Variant type: single nucleotide variant.
Coding change: c.2177A>G on transcript NM_001710.6 (MANE Select); coding-DNA position 2177, A replaced by G.
Protein change: p.Lys726Arg; replaces lysine 726 with arginine.
Molecular consequence: missense variant.
Genome position (GRCh38, 1-based): chr6:31,951,912, A>G. VCF-style: chr6-31951912-A-G. GRCh37 (hg19) VCF-style: chr6-31919689-A-G.
Other names: short protein forms K726R.
Identifiers: ClinVar variation 4766287 (VCV004766287.1).

ClinVar aggregate classification (germline): Uncertain significance (1 of 4 stars; one submission).

gnomAD v4.1: 1 of 1,613,132 alleles (0.000062%); highest among the groups gnomAD compares: South Asian, 0.0011%; no homozygotes.

Submission:

Labcorp Genetics (formerly Invitae), Labcorp
Classification: Uncertain significance. Last evaluated: 2025-11-25. Review status: criteria provided, single submitter. Criteria: Invitae Variant Classification Sherloc (09022015). Collection method: clinical testing. Allele origin: germline.
Comment: This sequence change replaces lysine, which is basic and polar, with arginine, which is basic and polar, at codon 726 of the CFB protein (p.Lys726Arg). This variant is present in population databases (rs773880849, gnomAD 0.003%). This variant has not been reported in the literature in individuals affected with CFB-related conditions. Invitae Evidence Modeling of protein sequence and biophysical properties (such as structural, functional, and spatial information, amino acid conservation, physicochemical variation, residue mobility, and thermodynamic stability) indicates that this missense variant is not expected to disrupt CFB protein function with a negative predictive value of 80%. In summary, the available evidence is currently insufficient to determine the role of this variant in disease. Therefore, it has been classified as a Variant of Uncertain Significance.